The following is an entry in ClinVar:

ClinVar aggregate classification (germline): Uncertain significance. Review status: criteria provided, multiple submitters, no conflicts (2 of 4 stars). 2 submissions from 2 submitters: Uncertain significance (2). Last evaluated 2021-09-01.

Conditions:
Autosomal recessive limb-girdle muscular dystrophy type 2C (LGMDR5). Also called: MUSCULAR DYSTROPHY, DUCHENNE-LIKE; MUSCULAR DYSTROPHY, LIMB-GIRDLE, AUTOSOMAL RECESSIVE 5. Identifiers: Orphanet 353, MedGen C0410173, MONDO:0009677, OMIM 253700. Disease mechanism: Affects gamma-sarcoglycan and also disrupts the integrity of the entire sarcoglycan complex..

Allele frequency attached by ClinVar (database versions not stated): TOPMed below 0.00001; gnomAD 0.00001; gnomAD exomes 0.00001.
gnomAD v4.1: 12 of 1,613,940 alleles (0.00074%); highest among the groups gnomAD compares: Non-Finnish European, 0.001%; no homozygotes.

Submissions (2):

Labcorp Genetics (formerly Invitae), Labcorp
Classification: Uncertain significance for Autosomal recessive limb-girdle muscular dystrophy type 2C. Last evaluated: 2021-09-01. Review status: criteria provided, single submitter. Criteria: Invitae Variant Classification Sherloc (09022015). Collection method: clinical testing. Allele origin: germline.
Comment: This sequence change replaces leucine with valine at codon 261 of the SGCG protein (p.Leu261Val). The leucine residue is moderately conserved and there is a small physicochemical difference between leucine and valine. This variant is not present in population databases (ExAC no frequency). This variant has not been reported in the literature in individuals affected with SGCG-related conditions. Algorithms developed to predict the effect of missense changes on protein structure and function (SIFT, PolyPhen-2, Align-GVGD) all suggest that this variant is likely to be tolerated. In summary, the available evidence is currently insufficient to determine the role of this variant in disease. Therefore, it has been classified as a Variant of Uncertain Significance.

Fulgent Genetics
Classification: Uncertain significance for Autosomal recessive limb-girdle muscular dystrophy type 2C. Last evaluated: 2021-08-02. Review status: criteria provided, single submitter. Criteria: ACMG Guidelines, 2015. Collection method: clinical testing. Allele origin: unknown.

NM_000231.3(SGCG):c.781C>G (p.Leu261Val)

Gene: SGCG (sarcoglycan gamma; plus strand). Cytogenetic location: 13q12.12.
Variant type: single nucleotide variant.
Coding change: c.781C>G on transcript NM_000231.3 (MANE Select); coding-DNA position 781, C replaced by G.
Protein change: p.Leu261Val; replaces leucine 261 with valine.
Molecular consequence: missense variant.
Genome position (GRCh38, 1-based): chr13:23,324,446, C>G. VCF-style: chr13-23324446-C-G. GRCh37 (hg19) VCF-style: chr13-23898585-C-G.
Other names: c.835C>G, p.Leu279Val (NM_001378244.1); c.781C>G, p.Leu261Val (NM_001378245.1, NM_001378246.1); short protein forms L279V, L261V.
Identifiers: ClinVar variation 1409713 (VCV001409713.6), dbSNP rs1460327315, ClinGen allele CA387503758.